The following is an entry in ClinVar:

ClinVar aggregate classification (germline): Uncertain significance (0 of 4 stars; one submission).

Submission:

Martin Pollak Laboratory,  Beth Israel Deaconess Medical Center
Classification: Uncertain significance. Review status: no assertion criteria provided. Collection method: not provided. Allele origin: unknown.
Comment: Lower and higher UCa2+ groups
ClinVar note: Converted during submission from unknown to Uncertain significance.

NM_003040.4(SLC4A2):c.53C>T (p.Pro18Leu)

Gene: SLC4A2 (solute carrier family 4 member 2; plus strand). Cytogenetic location: 7q36.1.
Variant type: single nucleotide variant.
Coding change: c.53C>T on transcript NM_003040.4 (MANE Select); coding-DNA position 53, C replaced by T.
Protein change: p.Pro18Leu; replaces proline 18 with leucine.
Molecular consequence: missense variant.
Genome position (GRCh38, 1-based): chr7:151,064,203, C>T. VCF-style: chr7-151064203-C-T. GRCh37 (hg19) VCF-style: chr7-150761290-C-T.
Other names: c.53C>T, p.Pro18Leu (NM_001199692.3); c.26C>T, p.Pro9Leu (NM_001199693.1); c.11C>T, p.Pro4Leu (NM_001199694.2); short protein forms P18L, P4L, P9L.
Identifiers: ClinVar variation 64516 (VCV000064516.2), dbSNP rs387907524, ClinGen allele CA216321.